The following is an entry in ClinVar:

NM_000152.5(GAA):c.566G>A (p.Arg189Lys)

Gene: GAA (alpha glucosidase; plus strand). Cytogenetic location: 17q25.3.
Variant type: single nucleotide variant.
Coding change: c.566G>A on transcript NM_000152.5 (MANE Select); coding-DNA position 566, G replaced by A.
Protein change: p.Arg189Lys; replaces arginine 189 with lysine.
Molecular consequence: missense variant.
Genome position (GRCh38, 1-based): chr17:80,105,768, G>A. VCF-style: chr17-80105768-G-A. GRCh37 (hg19) VCF-style: chr17-78079567-G-A.
Other names: c.566G>A (LRG_673t1); c.566G>A, p.Arg189Lys (NM_001079803.3, NM_001079804.3); short protein forms R189K.
Identifiers: ClinVar variation 662625 (VCV000662625.9), dbSNP rs1598571878, ClinGen allele CA401362102.

ClinVar aggregate classification (germline): Uncertain significance (1 of 4 stars; one submission).

Conditions:
Glycogen storage disease, type II (IOPD). Also called: CARDIOMEGALIA GLYCOGENICA DIFFUSA; Glucosidase acid-1,4-alpha deficiency; GLYCOGENOSIS, GENERALIZED, CARDIAC FORM; GSD II; ACID MALTASE DEFICIENCY, INFANTILE-ONSET; POMPE DISEASE, INFANTILE-ONSET. Identifiers: Orphanet 365, MedGen C0017921, MONDO:0009290, OMIM 232300.

Submission:

Labcorp Genetics (formerly Invitae), Labcorp
Classification: Uncertain significance for Glycogen storage disease, type II. Last evaluated: 2018-12-03. Review status: criteria provided, single submitter. Criteria: Invitae Variant Classification Sherloc (09022015). Collection method: clinical testing. Allele origin: germline.
Comment: Algorithms developed to predict the effect of missense changes on protein structure and function output the following: SIFT: "Tolerated"; PolyPhen-2: "Benign"; Align-GVGD: "Class C0". The lysine amino acid residue is found in multiple mammalian species, suggesting that this missense change does not adversely affect protein function. These predictions have not been confirmed by published functional studies and their clinical significance is uncertain. This variant has not been reported in the literature in individuals with GAA-related conditions. This variant is not present in population databases (ExAC no frequency). This sequence change replaces arginine with lysine at codon 189 of the GAA protein (p.Arg189Lys). The arginine residue is weakly conserved and there is a small physicochemical difference between arginine and lysine. In summary, the available evidence is currently insufficient to determine the role of this variant in disease. Therefore, it has been classified as a Variant of Uncertain Significance.